The following is an entry in ClinVar:

ClinVar aggregate classification (germline): Uncertain significance. Review status: criteria provided, single submitter (1 of 4 stars). 2 submissions from 2 submitters: Uncertain significance (1). 1 of the submissions does not count toward it. Last evaluated 2025-09-10.

Conditions:
BBS2-related disorder. Also called: BBS2-related disorders; BBS2-related condition. Identifiers: MedGen CN239228.
Inborn genetic diseases. Identifiers: MedGen C0950123, MeSH D030342.

Submissions (2):

Ambry Genetics
Classification: Uncertain significance for Inborn genetic diseases. Last evaluated: 2025-09-10. Review status: criteria provided, single submitter. Criteria: Ambry Variant Classification Scheme 2023. Collection method: clinical testing. Allele origin: germline.

PreventionGenetics, part of Exact Sciences
Classification: Uncertain significance for BBS2-related condition. Last evaluated: 2024-01-02. Review status: no assertion criteria provided. Collection method: clinical testing. Allele origin: germline. Not counted in ClinVar's aggregate classification.
Comment: The BBS2 c.1743A>T variant is predicted to result in the amino acid substitution p.Gln581His. To our knowledge, this variant has not been reported in the literature or in a large population database, indicating this variant is rare. At this time, the clinical significance of this variant is uncertain due to the absence of conclusive functional and genetic evidence.

NM_031885.5(BBS2):c.1743A>T (p.Gln581His)

Gene: BBS2 (Bardet-Biedl syndrome 2; minus strand). Cytogenetic location: 16q13.
Variant type: single nucleotide variant.
Coding change: c.1743A>T on transcript NM_031885.5 (MANE Select); coding-DNA position 1743, A replaced by T.
Protein change: p.Gln581His; replaces glutamine 581 with histidine.
Molecular consequence: missense variant. On other transcripts: non-coding transcript variant (5).
Genome position (GRCh38, 1-based): chr16:56,497,797, T>A on the plus strand (A>T on the coding strand, the complement: BBS2 is on the minus strand). VCF-style: chr16-56497797-T-A. GRCh37 (hg19) VCF-style: chr16-56531709-T-A.
Other names: c.1743A>T, p.Gln581His (NM_001377456.1); short protein forms Q581H.
Identifiers: ClinVar variation 3348421 (VCV003348421.2).
Genomic context (GRCh38, chr16:56,497,797, plus strand): 5'-CCTCACCTTAACTAGCACCTTTCGTAATTCCTCAAAATAGACAGGAAAATCCGCTTCTAC[T>A]TGAAGGTCTTCAATAGCAAAAAATGATGCCATTGACTGGATGATATCACCAGCCAAATCA-3'
Protein context (NP_114091.4, residues 571-591): MASFFAIEDL[Gln581His]VEADFPVYFE